The following is an entry in ClinVar:

NM_001399.5(EDA):c.532A>G (p.Lys178Glu)

Gene: EDA (ectodysplasin A; plus strand). Cytogenetic location: Xq13.1.
Variant type: single nucleotide variant.
Coding change: c.532A>G on transcript NM_001399.5 (MANE Select); coding-DNA position 532, A replaced by G.
Protein change: p.Lys178Glu; replaces lysine 178 with glutamic acid.
Molecular consequence: missense variant.
Genome position (GRCh38, 1-based): chrX:70,027,862, A>G. VCF-style: chrX-70027862-A-G. GRCh37 (hg19) VCF-style: chrX-69247712-A-G.
Other names: c.532A>G, p.Lys178Glu (NM_001005609.2, NM_001005612.3); short protein forms K178E.
Identifiers: ClinVar variation 2830542 (VCV002830542.3), dbSNP rs2520334448, ClinGen allele CA413448184.

ClinVar aggregate classification (germline): Uncertain significance (1 of 4 stars; one submission).

Conditions:
Hypohidrotic X-linked ectodermal dysplasia (XHED). Also called: ECTODERMAL DYSPLASIA, HYPOHIDROTIC, 1; CST SYNDROME; Ectodermal Dysplasia 1, Anhidrotic; Christ-Siemans-Touraine syndrome; ECTODERMAL DYSPLASIA 1; Anhidrotic ectodermal dysplasia X-linked. Identifiers: Orphanet 181, Orphanet 238468, MedGen C0162359, MONDO:0010585, OMIM 305100.

Submission:

Labcorp Genetics (formerly Invitae), Labcorp
Classification: Uncertain significance for Hypohidrotic X-linked ectodermal dysplasia. Last evaluated: 2023-01-20. Review status: criteria provided, single submitter. Criteria: Invitae Variant Classification Sherloc (09022015). Collection method: clinical testing. Allele origin: germline.
Comment: In summary, the available evidence is currently insufficient to determine the role of this variant in disease. Therefore, it has been classified as a Variant of Uncertain Significance. Advanced modeling of protein sequence and biophysical properties (such as structural, functional, and spatial information, amino acid conservation, physicochemical variation, residue mobility, and thermodynamic stability) performed at Invitae indicates that this missense variant is expected to disrupt EDA protein function. This variant has not been reported in the literature in individuals affected with EDA-related conditions. This variant is not present in population databases (gnomAD no frequency). This sequence change replaces lysine, which is basic and polar, with glutamic acid, which is acidic and polar, at codon 178 of the EDA protein (p.Lys178Glu).